The following is an entry in ClinVar:

NM_014712.3(SETD1A):c.2318C>T (p.Pro773Leu)

Gene: SETD1A (SET domain containing 1A, histone lysine methyltransferase; plus strand). Cytogenetic location: 16p11.2.
Variant type: single nucleotide variant.
Coding change: c.2318C>T on transcript NM_014712.3 (MANE Select); coding-DNA position 2318, C replaced by T.
Protein change: p.Pro773Leu; replaces proline 773 with leucine.
Molecular consequence: missense variant.
Genome position (GRCh38, 1-based): chr16:30,966,199, C>T. VCF-style: chr16-30966199-C-T. GRCh37 (hg19) VCF-style: chr16-30977520-C-T.
Other names: short protein forms P773L.
Identifiers: ClinVar variation 3893650 (VCV003893650.1).

ClinVar aggregate classification (germline): Uncertain significance (1 of 4 stars; one submission).

gnomAD v4.1: 2 of 1,612,970 alleles (0.00012%); highest among the groups gnomAD compares: Non-Finnish European, 0.00017%; no homozygotes.

Submission:

GeneDx
Classification: Uncertain significance. Last evaluated: 2024-10-27. Review status: criteria provided, single submitter. Criteria: GeneDx Variant Classification Process June 2021. Collection method: clinical testing. Allele origin: germline. Affected: yes.
Comment: Not observed at significant frequency in large population cohorts (gnomAD); In silico analysis supports that this missense variant has a deleterious effect on protein structure/function; Has not been previously published as pathogenic or benign to our knowledge